The following is an entry in ClinVar:

ClinVar aggregate classification (germline): Uncertain significance (1 of 4 stars; one submission).

gnomAD v4.1: 1 of 1,612,964 alleles (0.000062%); no homozygotes.

Submission:

Labcorp Genetics (formerly Invitae), Labcorp
Classification: Uncertain significance. Last evaluated: 2022-03-14. Review status: criteria provided, single submitter. Criteria: Invitae Variant Classification Sherloc (09022015). Collection method: clinical testing. Allele origin: germline.
Comment: In summary, the available evidence is currently insufficient to determine the role of this variant in disease. Therefore, it has been classified as a Variant of Uncertain Significance. Algorithms developed to predict the effect of missense changes on protein structure and function are either unavailable or do not agree on the potential impact of this missense change (SIFT: "Deleterious"; PolyPhen-2: "Possibly Damaging"; Align-GVGD: "Class C0"). This variant has not been reported in the literature in individuals affected with FAR1-related conditions. This variant is not present in population databases (gnomAD no frequency). This sequence change replaces lysine, which is basic and polar, with glutamine, which is neutral and polar, at codon 259 of the FAR1 protein (p.Lys259Gln).

NM_032228.6(FAR1):c.775A>C (p.Lys259Gln)

Gene: FAR1 (fatty acyl-CoA reductase 1; plus strand). Cytogenetic location: 11p15.3.
Variant type: single nucleotide variant.
Coding change: c.775A>C on transcript NM_032228.6 (MANE Select); coding-DNA position 775, A replaced by C.
Protein change: p.Lys259Gln; replaces lysine 259 with glutamine.
Molecular consequence: missense variant.
Genome position (GRCh38, 1-based): chr11:13,711,934, A>C. VCF-style: chr11-13711934-A-C. GRCh37 (hg19) VCF-style: chr11-13733481-A-C.
Other names: short protein forms K259Q.
Identifiers: ClinVar variation 2111763 (VCV002111763.4), dbSNP rs2500134803, ClinGen allele CA379857687.
Genomic context (GRCh38, chr11:13,711,934, plus strand): 5'-ATATATACACTATGGCTTATATATCTTAAGGTGTTGTTTTTAATTTCAACAAAGGCAGGG[A>C]AAGGAATTCTTCGAACAATACGTGCCTCCAACAATGCCCTTGCAGATCTTGTTCCTGTAG-3'
Protein context (NP_115604.1, residues 249-269): GPSGLFIAAG[Lys259Gln]GILRTIRASN